The following is an entry in ClinVar:

NM_138459.5(NUS1):c.367dup (p.Trp123fs)

Gene: NUS1 (NUS1 dehydrodolichyl diphosphate synthase subunit; plus strand). Cytogenetic location: 6q22.1.
Variant type: Duplication.
Coding change: c.367dup on transcript NM_138459.5 (MANE Select); coding-DNA position 367, one base duplicated (T; older notation c.367dupT).
Protein change: p.Trp123fs; shifts the reading frame from tryptophan 123.
Molecular consequence: frameshift variant.
Genome position (GRCh38, 1-based): chr6:117,676,037, T duplicated. VCF-style (leftmost placement, unchanged base first): chr6-117676036-G-GT. GRCh37 (hg19) VCF-style: chr6-117997199-G-GT.
Other names: short protein forms W123fs.
Identifiers: ClinVar variation 3390067 (VCV003390067.14).
Genomic context (GRCh38, chr6:117,676,036, plus strand): 5'-CCTGGTGATCACCGAGGTGGAGCAGGAACCCAGCTTCTCGGACATCGCGAGCCTCGTGGT[G>GT]TGGTGTATGGCCGTGGGCATCTCCTACATTAGCGTCTACGACCACCAAGGTGAGGCCCGG-3'

ClinVar aggregate classification (germline): Pathogenic (1 of 4 stars; one submission).

Submission:

CeGaT Center for Human Genetics Tuebingen
Classification: Pathogenic. Last evaluated: 2024-11-01. Review status: criteria provided, single submitter. Criteria: CeGaT Center For Human Genetics Tuebingen Variant Classification Criteria Version 2. Collection method: clinical testing. Allele origin: germline. Affected: yes. Observed: 1 variant allele.
Comment: NUS1: PVS1, PM2